The following is an entry in ClinVar:

NM_015474.4(SAMHD1):c.1009T>C (p.Phe337Leu)

Gene: SAMHD1 (SAM and HD domain containing deoxynucleoside triphosphate triphosphohydrolase 1; minus strand). Cytogenetic location: 20q11.23.
Variant type: single nucleotide variant.
Coding change: c.1009T>C on transcript NM_015474.4 (MANE Select); coding-DNA position 1009, T replaced by C.
Protein change: p.Phe337Leu; replaces phenylalanine 337 with leucine.
Molecular consequence: missense variant.
Genome position (GRCh38, 1-based): chr20:36,916,775, A>G on the plus strand (T>C on the coding strand, the complement: SAMHD1 is on the minus strand). VCF-style: chr20-36916775-A-G. GRCh37 (hg19) VCF-style: chr20-35545178-A-G.
Other names: c.1009T>C, p.Phe337Leu (NM_001363729.2, NM_001363733.2); short protein forms F337L.
Identifiers: ClinVar variation 1403603 (VCV001403603.7), dbSNP rs2146116896, ClinGen allele CA408844928.
Genomic context (GRCh38, chr20:36,916,775, plus strand): 5'-AGCTTACCTTATCTCTAGCACAAATACGCAACTCATTGTCTACTTCACAGACACGGGCAA[A>G]CTTAATAAAGCGCTTGTAATCAAAATTATTTTGGATTCCAAGATGATGGCAGTCCCTAGA-3'
Protein context (NP_056289.2, residues 327-347): NNFDYKRFIK[Phe337Leu]ARVCEVDNEL

ClinVar aggregate classification (germline): Uncertain significance. Review status: criteria provided, multiple submitters, no conflicts (2 of 4 stars). 2 submissions from 2 submitters: Uncertain significance (2). Last evaluated 2025-05-19.

Conditions:
Aicardi-Goutieres syndrome 5. Identifiers: Orphanet 51, MedGen C2749659, MONDO:0013059, OMIM 612952.

Submissions (2):

Women's Health and Genetics/Laboratory Corporation of America, LabCorp
Classification: Uncertain significance. Last evaluated: 2025-05-19. Review status: criteria provided, single submitter. Criteria: LabCorp Variant Classification Summary - May 2015. Collection method: clinical testing. Allele origin: germline.
Comment: Variant summary: SAMHD1 c.1009T>C (p.Phe337Leu) results in a non-conservative amino acid change in the encoded protein sequence. Algorithms developed to predict the effect of missense changes on protein structure and function all suggest that this variant is likely to be disruptive. The variant was absent in 251378 control chromosomes. The available data on variant occurrences in the general population are insufficient to allow any conclusion about variant significance. To our knowledge, no occurrence of c.1009T>C in individuals affected with Aicardi-Goutieres syndrome 5 and no experimental evidence demonstrating its impact on protein function have been reported. ClinVar contains an entry for this variant (Variation ID: 1403603). Based on the evidence outlined above, the variant was classified as uncertain significance.

Labcorp Genetics (formerly Invitae), Labcorp
Classification: Uncertain significance for Aicardi-Goutieres syndrome 5. Last evaluated: 2021-10-09. Review status: criteria provided, single submitter. Criteria: Invitae Variant Classification Sherloc (09022015). Collection method: clinical testing. Allele origin: germline.
Comment: This variant has not been reported in the literature in individuals with SAMHD1-related conditions. In summary, the available evidence is currently insufficient to determine the role of this variant in disease. Therefore, it has been classified as a Variant of Uncertain Significance. Algorithms developed to predict the effect of missense changes on protein structure and function (SIFT, PolyPhen-2, Align-GVGD) all suggest that this variant is likely to be tolerated, but these predictions have not been confirmed by published functional studies and their clinical significance is uncertain. This variant is not present in population databases (ExAC no frequency). This sequence change replaces phenylalanine with leucine at codon 337 of the SAMHD1 protein (p.Phe337Leu). The phenylalanine residue is highly conserved and there is a small physicochemical difference between phenylalanine and leucine.